The following is an entry in ClinVar:

NM_000059.4(BRCA2):c.8594dup (p.Leu2865fs)

Gene: BRCA2 (BRCA2 DNA repair associated; plus strand). Cytogenetic location: 13q13.1.
Variant type: Duplication.
Coding change: c.8594dup on transcript NM_000059.4 (MANE Select); coding-DNA position 8594, one base duplicated (T; older notation c.8594dupT).
Protein change: p.Leu2865fs; shifts the reading frame from leucine 2865.
Molecular consequence: frameshift variant.
Genome position (GRCh38, 1-based): chr13:32,371,062, T duplicated; the last of 2 consecutive T bases (chr13:32,371,061-32,371,062); duplicating either gives the same sequence. VCF-style (leftmost placement, unchanged base first): chr13-32371060-C-CT. GRCh37 (hg19) VCF-style: chr13-32945197-C-CT.
Other names: 8821insT; 8822insT; c.8594dupT (NM_000059.3); short protein forms L2865fs.
Identifiers: ClinVar variation 52631 (VCV000052631.27), dbSNP rs80359721, ClinGen allele CA025726.

ClinVar aggregate classification (germline): Pathogenic. Review status: reviewed by expert panel (3 of 4 stars). 10 submissions from 10 submitters: Pathogenic (1). 9 of the submissions do not count toward it. Last evaluated 2016-09-08.

Conditions:
Hereditary cancer-predisposing syndrome. Also called: Neoplastic Syndromes, Hereditary; Tumor predisposition; Hereditary neoplastic syndrome; Hereditary Cancer Syndrome. Identifiers: Orphanet 140162, MedGen C0027672, MeSH D009386, MONDO:0015356.
Hereditary breast ovarian cancer syndrome. Also called: Hereditary breast and ovarian cancer syndrome; Hereditary breast and ovarian cancer; Hereditary breast and ovarian cancer syndrome (HBOC); Breast and ovarian cancer; Hereditary breast and/or ovarian cancer syndrome; BRCA1- and BRCA2-Associated Hereditary Breast and Ovarian Cancer. Identifiers: Orphanet 145, MedGen C0677776, MeSH D061325, MONDO:0003582. Disease mechanism: loss of function.
Familial cancer of breast. Also called: BREAST CANCER, FAMILIAL; Hereditary breast cancer; hereditary breast carcinoma. Identifiers: Orphanet 227535, MedGen C0346153, MONDO:0016419, OMIM 114480. Disease mechanism: loss of function.
Breast-ovarian cancer, familial, susceptibility to, 2 (BROVCA2). Also called: BRCA2 Hereditary Breast and Ovarian Cancer. Identifiers: Orphanet 145, MedGen C2675520, MONDO:0012933, OMIM 612555. Disease mechanism: loss of function.

Submissions (10):

Evidence-based Network for the Interpretation of Germline Mutant Alleles (ENIGMA)
Classification: Pathogenic for Breast-ovarian cancer, familial, susceptibility to, 2. Last evaluated: 2016-09-08. Review status: reviewed by expert panel. Criteria: ENIGMA BRCA1/2 Classification Criteria (2015). Collection method: curation. Allele origin: germline.
Comment: Variant allele predicted to encode a truncated non-functional protein.

Labcorp Genetics (formerly Invitae), Labcorp
Classification: Pathogenic for Hereditary breast ovarian cancer syndrome. Last evaluated: 2025-10-17. Review status: criteria provided, single submitter. Criteria: Invitae Variant Classification Sherloc (09022015). Collection method: clinical testing. Allele origin: germline. Not counted in ClinVar's aggregate classification.
Comment: This sequence change creates a premature translational stop signal (p.Leu2865Phefs*4) in the BRCA2 gene. It is expected to result in an absent or disrupted protein product. Loss-of-function variants in BRCA2 are known to be pathogenic (PMID: 20104584). This variant is not present in population databases (gnomAD no frequency). This premature translational stop signal has been observed in individual(s) with BRCA2-related conditions (PMID: 20104584). This variant is also known as 8823insT. ClinVar contains an entry for this variant (Variation ID: 52631). For these reasons, this variant has been classified as Pathogenic.

Quest Diagnostics Nichols Institute San Juan Capistrano
Classification: Pathogenic. Last evaluated: 2025-04-28. Review status: criteria provided, single submitter. Criteria: Quest Diagnostics criteria. Collection method: clinical testing. Allele origin: unknown. Not counted in ClinVar's aggregate classification.
Comment: The BRCA2 c.8594dup (p.Leu2865Phefs*4) variant alters the translational reading frame of the BRCA2 mRNA and causes the premature termination of BRCA2 protein synthesis. This variant has been reported in the published literature in individuals affected with breast cancer (PMID: 23179792 (2013), 20927582 (2011), 20104584 (2010)), prostate cancer (PMID: 31723001 (2020)), and pancreatic cancer (PMID: 29922827 (2018)). This variant has not been reported in large, multi-ethnic general populations (Genome Aggregation Database). Based on the available information, this variant is classified as pathogenic.

Ambry Genetics
Classification: Pathogenic for Hereditary cancer-predisposing syndrome. Last evaluated: 2024-05-17. Review status: criteria provided, single submitter. Criteria: Ambry Variant Classification Scheme 2023. Collection method: clinical testing. Allele origin: germline. Not counted in ClinVar's aggregate classification.
Comment: The c.8594dupT pathogenic mutation, located in coding exon 19 of the BRCA2 gene, results from a duplication of T at nucleotide position 8594, causing a translational frameshift with a predicted alternate stop codon (p.L2865Ffs*4). In one large study, this mutation was observed in 1 of 705 patients with contralateral breast cancer and not in any of the 1398 patients with unilateral breast cancer (Borg A et al. Hum. Mutat. 2010 Mar;31:E1200-40). Of note, this mutation is also designated as 8822insT in published literature. This variant is considered to be rare based on population cohorts in the Genome Aggregation Database (gnomAD). In addition to the clinical data presented in the literature, this alteration is expected to result in loss of function by premature protein truncation or nonsense-mediated mRNA decay. As such, this alteration is interpreted as a disease-causing mutation.

GeneDx
Classification: Pathogenic. Last evaluated: 2024-04-05. Review status: criteria provided, single submitter. Criteria: GeneDx Variant Classification Process June 2021. Collection method: clinical testing. Allele origin: germline. Affected: yes. Not counted in ClinVar's aggregate classification.
Comment: Frameshift variant predicted to result in protein truncation or nonsense mediated decay in a gene for which loss of function is a known mechanism of disease; Not observed at significant frequency in large population cohorts (gnomAD); Truncating variants in this gene are considered pathogenic by a well-established clinical consortium and/or database; Also known as 8822dupT; This variant is associated with the following publications: (PMID: 20104584, 20927582, 23179792, 28152038, 29922827, 30787465, 31853058, 36922933, 31723001)

Baylor Genetics
Classification: Pathogenic for Familial cancer of breast. Last evaluated: 2023-06-08. Review status: criteria provided, single submitter. Criteria: ACMG Guidelines, 2015. Collection method: clinical testing. Allele origin: unknown. Not counted in ClinVar's aggregate classification.

Women's Health and Genetics/Laboratory Corporation of America, LabCorp
Classification: Pathogenic for Hereditary breast ovarian cancer syndrome. Last evaluated: 2023-05-18. Review status: criteria provided, single submitter. Criteria: LabCorp Variant Classification Summary - May 2015. Collection method: clinical testing. Allele origin: germline. Not counted in ClinVar's aggregate classification.
Comment: Variant summary: The variant, BRCA2 c.8594dupT (p.Leu2865PhefsX4) results in a premature termination codon, predicted to cause a truncation of the encoded protein or absence of the protein due to nonsense mediated decay, which are commonly known mechanisms for disease. The variant was absent in 245972 control chromosomes (gnomAD) and has been reported in the literature in multiple individuals affected with breast cancer and pancreatic cancer (Borg_2010, Ding_2011, Nelson-Moseke_2013, Hu_2018). These data indicate that the variant is very likely to be associated with Hereditary breast and ovarian cancer syndrome. To our knowledge, no experimental evidence demonstrating an impact on protein function has been reported. The following publications have been ascertained in the context of this evaluation (PMID: 20104584, 20927582, 23179792, 29922827). Six clinical diagnostic laboratories have submitted clinical-significance assessments for this variant to ClinVar after 2014 and all of them classified the variant as pathogenic. Based on the evidence outlined above, the variant was classified as pathogenic.

Counsyl
Classification: Pathogenic for Breast-ovarian cancer, familial, susceptibility to, 2. Last evaluated: 2016-12-02. Review status: no assertion criteria provided. Collection method: clinical testing. Allele origin: unknown. Not counted in ClinVar's aggregate classification.

Sharing Clinical Reports Project (SCRP)
Classification: Pathogenic for Breast-ovarian cancer, familial 2. Last evaluated: 2012-05-10. Review status: no assertion criteria provided. Collection method: clinical testing. Allele origin: germline. Not counted in ClinVar's aggregate classification.

Breast Cancer Information Core (BIC) (BRCA2)
Classification: Pathogenic for Breast-ovarian cancer, familial 2. Last evaluated: 2003-10-29. Review status: no assertion criteria provided. Collection method: clinical testing. Allele origin: unknown. Affected: yes. Observed: 1 variant allele. Not counted in ClinVar's aggregate classification.

Literature cited by the submitters: PubMed 20104584 (cited by 4 submitters); PubMed 23179792 (cited by Quest Diagnostics Nichols Institute San Juan Capistrano and Women's Health and Genetics/Laboratory Corporation of America, LabCorp); PubMed 20927582 (cited by 4 submitters); PubMed 29922827 (cited by Quest Diagnostics Nichols Institute San Juan Capistrano and Women's Health and Genetics/Laboratory Corporation of America, LabCorp); PubMed 31723001 (cited by Quest Diagnostics Nichols Institute San Juan Capistrano); PubMed 30787465 (cited by Quest Diagnostics Nichols Institute San Juan Capistrano).